The following is an entry in ClinVar:

NM_152703.5(SAMD9L):c.4571G>A (p.Arg1524His)

Gene: SAMD9L (sterile alpha motif domain containing 9 like; minus strand). Cytogenetic location: 7q21.2.
Variant type: single nucleotide variant.
Coding change: c.4571G>A on transcript NM_152703.5 (MANE Select); coding-DNA position 4571, G replaced by A.
Protein change: p.Arg1524His; replaces arginine 1524 with histidine.
Molecular consequence: missense variant.
Genome position (GRCh38, 1-based): chr7:93,131,401, C>T on the plus strand (G>A on the coding strand, the complement: SAMD9L is on the minus strand). VCF-style: chr7-93131401-C-T. GRCh37 (hg19) VCF-style: chr7-92760714-C-T.
Other names: p.Arg1524His; c.4571G>A, p.Arg1524His (NM_001303496.3, NM_001303497.3, NM_001303498.3 and 5 more transcripts); c.4571G>A (NM_152703.3); short protein forms R1524H.
Identifiers: ClinVar variation 1337478 (VCV001337478.13), dbSNP rs138088725, ClinGen allele CA4343278.

ClinVar aggregate classification (germline): Uncertain significance. Review status: criteria provided, multiple submitters, no conflicts (2 of 4 stars). 6 submissions from 6 submitters: Uncertain significance (5). 1 of the submissions does not count toward it. Last evaluated 2025-12-24.

Conditions:
SAMD9L-related disorder. Also called: SAMD9L-related disorders; SAMD9L-related condition.

Allele frequency attached by ClinVar (database versions not stated): gnomAD 0.00003; TOPMed 0.00005; ExAC 0.00008; ESP Exome Variant Server 0.00015; 1000 Genomes Project 0.00020; 1000 Genomes Project 30x 0.00031.
gnomAD v4.1: 68 of 1,613,622 alleles (0.0042%); highest among the groups gnomAD compares: Middle Eastern, 0.05%; no homozygotes.

Submissions (6):

Labcorp Genetics (formerly Invitae), Labcorp
Classification: Uncertain significance. Last evaluated: 2025-12-24. Review status: criteria provided, single submitter. Criteria: Invitae Variant Classification Sherloc (09022015). Collection method: clinical testing. Allele origin: germline.
Comment: This sequence change replaces arginine, which is basic and polar, with histidine, which is basic and polar, at codon 1524 of the SAMD9L protein (p.Arg1524His). This variant is present in population databases (rs138088725, gnomAD 0.02%). This variant has not been reported in the literature in individuals affected with SAMD9L-related conditions. ClinVar contains an entry for this variant (Variation ID: 1337478). Invitae Evidence Modeling of protein sequence and biophysical properties (such as structural, functional, and spatial information, amino acid conservation, physicochemical variation, residue mobility, and thermodynamic stability) indicates that this missense variant is expected to disrupt SAMD9L protein function with a positive predictive value of 80%. In summary, the available evidence is currently insufficient to determine the role of this variant in disease. Therefore, it has been classified as a Variant of Uncertain Significance.

Mayo Clinic Laboratories, Mayo Clinic
Classification: Uncertain significance. Last evaluated: 2024-09-03. Review status: criteria provided, single submitter. Criteria: ACMG Guidelines, 2015. Collection method: clinical testing. Allele origin: germline. Observed: 1 variant allele.
Comment: BP4

GeneDx
Classification: Uncertain significance. Last evaluated: 2024-04-16. Review status: criteria provided, single submitter. Criteria: GeneDx Variant Classification Process June 2021. Collection method: clinical testing. Allele origin: germline.
Comment: In silico analysis supports that this missense variant has a deleterious effect on protein structure/function; Has not been previously published as pathogenic or benign to our knowledge; This variant is associated with the following publications: (PMID: 28545555, 34621053)

Genetic Services Laboratory, University of Chicago
Classification: Uncertain significance. Last evaluated: 2019-12-27. Review status: criteria provided, single submitter. Criteria: ACMG Guidelines, 2015. Collection method: clinical testing. Allele origin: germline. Affected: no.
Comment: DNA sequence analysis of the SAMD9L gene demonstrated a sequence change, c.4571G>A, in exon 6 that results in an amino acid change, p.Arg1524His. This sequence change does not appear to have been previously described in patients with SAMD9L-related disorders and has been described in the gnomAD database with a low population frequency of 0.0060% (dbSNP rs138088725). The p.Arg1524His change affects a moderately conserved amino acid residue located in a domain of the SAMD9L protein that is not known to be functional. The p.Arg1524His substitution appears to be benign using several in-silico pathogenicity prediction tools (SIFT, PolyPhen2, Align GVGD, REVEL). Due to these evidences and the lack of functional studies, the clinical significance of the p.Arg1524His change remains unknown at this time.

Breakthrough Genomics
Classification: Uncertain significance. Review status: criteria provided, single submitter. Criteria: ACMG Guidelines, 2015. Collection method: not provided. Allele origin: germline. Inheritance: Autosomal recessive inheritance. Affected: yes.

PreventionGenetics, part of Exact Sciences
Classification: Uncertain significance for SAMD9L-related condition. Last evaluated: 2024-04-01. Review status: no assertion criteria provided. Collection method: clinical testing. Allele origin: germline. Not counted in ClinVar's aggregate classification.
Comment: The SAMD9L c.4571G>A variant is predicted to result in the amino acid substitution p.Arg1524His. This variant has been reported in an individual with myelodysplastic syndrome (MDS); however it was also found in the same individual with other SAMD9L germline variants, and other family members who apparently had no overt hematologic abnormalities (Wong et al. 2018. PubMed ID: 30046003). This variant is reported in 0.023% of alleles in individuals of South Asian descent in gnomAD. At this time, the clinical significance of this variant is uncertain due to the absence of conclusive functional and genetic evidence.

Literature cited by the submitters: PubMed 34621053 (cited by Mayo Clinic Laboratories, Mayo Clinic).